The following is an entry in ClinVar:

NM_000022.4(ADA):c.110C>T (p.Ala37Val)

Genes: ADA (adenosine deaminase; minus strand), LOC107303343 (adenosine deaminase intronic regulatory elements; plus strand). Cytogenetic location: 20q13.12.
Variant type: single nucleotide variant.
Coding change: c.110C>T on transcript NM_000022.4 (MANE Select); coding-DNA position 110, C replaced by T.
Protein change: p.Ala37Val; replaces alanine 37 with valine.
Molecular consequence: missense variant. On other transcripts: 5 prime UTR variant (1), non-coding transcript variant (1).
Genome position (GRCh38, 1-based): chr20:44,629,155, G>A on the plus strand (C>T on the coding strand, the complement: ADA is on the minus strand). VCF-style: chr20-44629155-G-A. GRCh37 (hg19) VCF-style: chr20-43257796-G-A.
Other names: c.110C>T (NM_000022.3); c.-180C>T (NM_001322050.2); c.110C>T, p.Ala37Val (NM_001322051.2); short protein forms A37V.
Identifiers: ClinVar variation 513280 (VCV000513280.17), dbSNP rs151336936, ClinGen allele CA9871756.

ClinVar aggregate classification (germline): Likely benign. Review status: criteria provided, multiple submitters, no conflicts (2 of 4 stars). 5 submissions from 5 submitters: Likely benign (5). Last evaluated 2026-01-31.

Conditions:
ADA-related disorder. Also called: ADA-related condition.
Severe combined immunodeficiency, autosomal recessive, T cell-negative, B cell-negative, NK cell-negative, due to adenosine deaminase deficiency. Also called: ADA-SCID; ADA deficiency; Adenosine deaminase deficient severe combined immunodeficiency; Severe combined immunodeficiency due to ADA deficiency; Adenosine Deaminase Deficiency; SCID DUE TO ADA DEFICIENCY. Identifiers: Orphanet 277, MedGen C0392607, MONDO:0007064, OMIM 102700.

Allele frequency attached by ClinVar (database versions not stated): gnomAD exomes 0.00012 and 0.00041; ExAC 0.00054; 1000 Genomes Project 0.00060; 1000 Genomes Project 30x 0.00062; gnomAD 0.00137 and 0.00150; TOPMed 0.00144; ESP Exome Variant Server 0.00200.
gnomAD v4.1: 396 of 1,614,192 alleles (0.025%); highest among the groups gnomAD compares: African/African-American, 0.49%; no homozygotes.

Submissions (5):

Labcorp Genetics (formerly Invitae), Labcorp
Classification: Likely benign for Severe combined immunodeficiency, autosomal recessive, T cell-negative, B cell-negative, NK cell-negative, due to adenosine deaminase deficiency. Last evaluated: 2026-01-31. Review status: criteria provided, single submitter. Criteria: Invitae Variant Classification Sherloc (09022015). Collection method: clinical testing. Allele origin: germline.

Women's Health and Genetics/Laboratory Corporation of America, LabCorp
Classification: Likely benign. Last evaluated: 2026-01-30. Review status: criteria provided, single submitter. Criteria: LabCorp Variant Classification Summary - May 2015. Collection method: clinical testing. Allele origin: germline.
Comment: Variant summary: ADA c.110C>T (p.Ala37Val) results in a non-conservative amino acid change in the encoded protein sequence. Algorithms developed to predict the effect of missense changes on protein structure and function are either unavailable or do not agree on the potential impact of this missense change. The variant allele was found at a frequency of 0.00041 in 251326 control chromosomes, predominantly at a frequency of 0.0062 within the African or African-American subpopulation in the gnomAD database. The observed variant frequency within African or African-American control individuals in the gnomAD database exceeds the estimated maximal expected allele frequency for disease-causing variants in ADA. To our knowledge, no occurrence of c.110C>T in individuals affected with ADA-related conditions and no experimental evidence demonstrating its impact on protein function have been reported. ClinVar contains an entry for this variant (Variation ID: 513280). Based on the evidence outlined above, the variant was classified as likely benign.

PreventionGenetics, part of Exact Sciences
Classification: Likely benign for ADA-related condition. Last evaluated: 2025-10-07. Review status: criteria provided, single submitter. Criteria: ACMG Guidelines, 2015. Collection method: clinical testing. Allele origin: germline.
Comment: This variant is classified as likely benign based on ACMG/AMP sequence variant interpretation guidelines (Richards et al. 2015 PMID: 25741868, with internal and published modifications).

Blueprint Genetics
Classification: Likely benign. Last evaluated: 2024-10-02. Review status: criteria provided, single submitter. Criteria: ACMG Guidelines, 2015. Collection method: clinical testing. Allele origin: germline.

GeneDx
Classification: Likely benign. Last evaluated: 2017-11-08. Review status: criteria provided, single submitter. Criteria: GeneDx Variant Classification (06012015). Collection method: clinical testing. Allele origin: germline. Affected: yes.
Comment: This variant is considered likely benign or benign based on one or more of the following criteria: it is a conservative change, it occurs at a poorly conserved position in the protein, it is predicted to be benign by multiple in silico algorithms, and/or has population frequency not consistent with disease.